The following is an entry in ClinVar:

NM_001374736.1(DST):c.19317A>G (p.Ala6439=)

Gene: DST (dystonin; minus strand). Cytogenetic location: 6p12.1.
Variant type: single nucleotide variant.
Coding change: c.19317A>G on transcript NM_001374736.1 (MANE Select); coding-DNA position 19317, A replaced by G.
Protein change: p.Ala6439=; no amino-acid change (alanine 6439 retained).
Molecular consequence: synonymous variant.
Genome position (GRCh38, 1-based): chr6:56,506,712, T>C on the plus strand (A>G on the coding strand, the complement: DST is on the minus strand). VCF-style: chr6-56506712-T-C. GRCh37 (hg19) VCF-style: chr6-56371510-T-C.
Other names: c.12960A>G, p.Ala4320= (NM_001144769.5); c.12546A>G, p.Ala4182= (NM_001144770.2); c.19317A>G, p.Ala6439= (NM_001374722.1); c.18357A>G, p.Ala6119= (NM_001374729.1); c.12099A>G, p.Ala4033= (NM_001374730.1); c.19344A>G, p.Ala6448= (NM_001374734.1); c.12426A>G, p.Ala4142= (NM_001386100.1, NM_183380.4); c.11448A>G, p.Ala3816= (NM_015548.5).
Identifiers: ClinVar variation 1132850 (VCV001132850.23), dbSNP rs183257700, ClinGen allele CA3867035.
Genomic context (GRCh38, chr6:56,506,712, plus strand): 5'-GTAAGCCAGTTGTACCTCATCTATACTCTTCTTGACAATGGGTTTATCAGGCTCCCCACA[T>C]GCCGCAATGAGTTCAGAACCTAGGTTAATAACTATATCCAGCTCCTCCTGTAGTCCATCT-3'
Protein context (NP_001361665.1, residues 6429-6449): VINLGSELIA[Ala6439=]CGEPDKPIVK

ClinVar aggregate classification (germline): Likely benign. Review status: criteria provided, multiple submitters, no conflicts (2 of 4 stars). 2 submissions from 2 submitters: Likely benign (2). Last evaluated 2025-03-05.

Conditions:
Hereditary sensory and autonomic neuropathy type 6. Also called: HSAN VI; Neuropathy, hereditary sensory and autonomic, type VI. Identifiers: Orphanet 314381, MedGen C3539003, MONDO:0013839, OMIM 614653.
Epidermolysis bullosa simplex 3, localized or generalized intermediate, with BP230 deficiency (EBS3). Also called: Epidermolysis bullosa simplex due to BP230 deficiency; Epidermolysis bullosa simplex, autosomal recessive 2. Identifiers: Orphanet 412181, MedGen C3809470, MONDO:0014180, OMIM 615425.

Allele frequency attached by ClinVar (database versions not stated): ExAC 0.00003; gnomAD exomes 0.00003 and 0.00012; TOPMed 0.00003; gnomAD 0.00005; 1000 Genomes Project 30x 0.00016; 1000 Genomes Project 0.00020; ESP Exome Variant Server 0.00025.
gnomAD v4.1: 176 of 1,613,688 alleles (0.011%); highest among the groups gnomAD compares: Non-Finnish European, 0.015%; no homozygotes.

Submissions (2):

Labcorp Genetics (formerly Invitae), Labcorp
Classification: Likely benign for Epidermolysis bullosa simplex 3, localized or generalized intermediate, with BP230 deficiency; Hereditary sensory and autonomic neuropathy type 6. Last evaluated: 2025-03-05. Review status: criteria provided, single submitter. Criteria: Invitae Variant Classification Sherloc (09022015). Collection method: clinical testing. Allele origin: germline.

CeGaT Center for Human Genetics Tuebingen
Classification: Likely benign. Last evaluated: 2024-09-01. Review status: criteria provided, single submitter. Criteria: CeGaT Center For Human Genetics Tuebingen Variant Classification Criteria Version 2. Collection method: clinical testing. Allele origin: germline. Affected: yes. Observed: 1 variant allele.
Comment: DST: BP4, BP7